The following is an entry in ClinVar:

ClinVar aggregate classification (germline): Pathogenic/Likely pathogenic. Review status: criteria provided, multiple submitters, no conflicts (2 of 4 stars). 5 submissions from 5 submitters: Pathogenic (1); Likely pathogenic (4). Last evaluated 2025-08-20.

Conditions:
Autosomal dominant nonsyndromic hearing loss 36. Identifiers: Orphanet 90635, MedGen C1847626, MONDO:0011708, OMIM 606705.
Autosomal recessive nonsyndromic hearing loss 7. Also called: DEAFNESS, AUTOSOMAL RECESSIVE 11. Identifiers: Orphanet 90636, MedGen C1832978, MONDO:0010967, OMIM 600974.

Allele frequency attached by ClinVar (database versions not stated): gnomAD 0.00001; gnomAD exomes 0.00001; TOPMed 0.00001.
gnomAD v4.1: 22 of 1,613,980 alleles (0.0014%); highest among the groups gnomAD compares: Non-Finnish European, 0.0017%; no homozygotes.

Submissions (5):

ENT and Head and Neck Research Center and Department,  The Five Senses Health Institute, Iran University of Medical Sciences
Classification: Likely pathogenic for Autosomal recessive nonsyndromic hearing loss 7. Last evaluated: 2025-08-20. Review status: criteria provided, single submitter. Criteria: ClinGen HL ACMG Specifications v1. Collection method: clinical testing. Allele origin: germline. Affected: yes.
Comment: PM2: GnomAD genomes homozygous allele count = 0 is less than 2 for AD/AR gene TMC1, good gnomAD genomes coverage = 31.2, PP2: 54 out of 58 non-VUS missense variants in gene TMC1 are pathogenic = 93.1% which is more than the threshold of 80.8%.PP5: ClinVar classifies this variant as Pathogenic, 2 stars (reviewed Feb '25, 2 submissions), citing 2 articles (25423259 and 19187973), associated with Autosomal Dominant Nonsyndromic Hearing Loss 36 and Autosomal Recessive Nonsyndromic Hearing Loss 7. PP3: For a missense or a splicing region variant, computational prediction tools unanimously support a deleterious effect on the gene, PP1: Segregation in two affected relative for recessive

Variantyx, Inc.
Classification: Likely pathogenic for Autosomal recessive nonsyndromic hearing loss 7. Last evaluated: 2025-06-30. Review status: criteria provided, single submitter. Criteria: Variantyx Assertion Criteria 2022. Collection method: clinical testing. Allele origin: germline. Inheritance: Autosomal recessive inheritance. Affected: yes.
Comment: This is a nonsynonymous variant in the TMC1 gene (OMIM: 606706). Pathogenic variants in this gene have been associated with autosomal recessive deafness 7. This variant has been identified in the homozygous state in at least 2 individuals reported in the published literature (PMID: 25423259, 19187973) (PM3) and has been observed to segregate with disease in at least 3 individuals from 2 families (PMID: 25423259, 19187973) (PP1_Moderate). Multiple computational algorithms predict a deleterious effect for this variant (REVEL score: 0.765) (PP3). This variant has a 0.0017% maximum allele frequency in non-founder control populations (PM2). Based on the current evidence, this variant is classified as likely pathogenic for autosomal recessive deafness 7.

Fulgent Genetics
Classification: Likely pathogenic for Autosomal recessive nonsyndromic hearing loss 7; Autosomal dominant nonsyndromic hearing loss 36. Last evaluated: 2024-02-29. Review status: criteria provided, single submitter. Criteria: ACMG Guidelines, 2015. Collection method: clinical testing. Allele origin: germline.

Labcorp Genetics (formerly Invitae), Labcorp
Classification: Pathogenic. Last evaluated: 2023-10-19. Review status: criteria provided, single submitter. Criteria: Invitae Variant Classification Sherloc (09022015). Collection method: clinical testing. Allele origin: germline.
Comment: This sequence change replaces isoleucine, which is neutral and non-polar, with threonine, which is neutral and polar, at codon 677 of the TMC1 protein (p.Ile677Thr). This variant is present in population databases (no rsID available, gnomAD 0.003%). This missense change has been observed in individuals with autosomal recessive nonsyndromic deafness (PMID: 19187973, 25423259). It has also been observed to segregate with disease in related individuals. ClinVar contains an entry for this variant (Variation ID: 2136778). Advanced modeling of protein sequence and biophysical properties (such as structural, functional, and spatial information, amino acid conservation, physicochemical variation, residue mobility, and thermodynamic stability) has been performed at Invitae for this missense variant, however the output from this modeling did not meet the statistical confidence thresholds required to predict the impact of this variant on TMC1 protein function. For these reasons, this variant has been classified as Pathogenic.

Juno Genomics, Hangzhou Juno Genomics, Inc
Classification: Likely pathogenic for Autosomal dominant nonsyndromic hearing loss 36; Autosomal recessive nonsyndromic hearing loss 7. Review status: criteria provided, single submitter. Criteria: ACMG Guidelines, 2015. Collection method: clinical testing. Allele origin: germline.
Comment: Absent from controls (or at extremely low frequency if recessive) in Genome Aggregation Database.;Multiple lines of computational evidence support a deleterious effect on the gene or gene product.;For recessive disorders, detected in trans with a pathogenic variant.;Co-segregation with disease in multiple affected family members.

Literature cited by the submitters: PubMed 41231290 (cited by ENT and Head and Neck Research Center and Department,  The Five Senses Health Institute, Iran University of Medical Sciences); PubMed 25423259 (cited by Variantyx, Inc. and Labcorp Genetics (formerly Invitae), Labcorp); PubMed 19187973 (cited by Variantyx, Inc. and Labcorp Genetics (formerly Invitae), Labcorp).

NM_138691.3(TMC1):c.2030T>C (p.Ile677Thr)

Gene: TMC1 (transmembrane channel like 1; plus strand). Cytogenetic location: 9q21.13.
Variant type: single nucleotide variant.
Coding change: c.2030T>C on transcript NM_138691.3 (MANE Select); coding-DNA position 2030, T replaced by C.
Protein change: p.Ile677Thr; replaces isoleucine 677 with threonine.
Molecular consequence: missense variant.
Genome position (GRCh38, 1-based): chr9:72,826,895, T>C. VCF-style: chr9-72826895-T-C. GRCh37 (hg19) VCF-style: chr9-75441811-T-C.
Other names: short protein forms I677T.
Identifiers: ClinVar variation 2136778 (VCV002136778.8), dbSNP rs1448901281, ClinGen allele CA373672818.